The following is an entry in ClinVar:

ClinVar aggregate classification (germline): Uncertain significance (1 of 4 stars; one submission).

Conditions:
Hereditary cancer-predisposing syndrome. Also called: Neoplastic Syndromes, Hereditary; Tumor predisposition; Hereditary neoplastic syndrome; Hereditary Cancer Syndrome. Identifiers: Orphanet 140162, MedGen C0027672, MeSH D009386, MONDO:0015356.

Submission:

Ambry Genetics
Classification: Uncertain significance for Hereditary cancer-predisposing syndrome. Last evaluated: 2026-07-17. Review status: criteria provided, single submitter. Criteria: Ambry Variant Classification Scheme 2023. Collection method: clinical testing. Allele origin: germline.
Comment: The p.R2311S variant (also known as c.6933A>T), located in coding exon 15 of the APC gene, results from an A to T substitution at nucleotide position 6933. The arginine at codon 2311 is replaced by serine, an amino acid with dissimilar properties. This amino acid position is conserved. In addition, in silico predictors for this gene do not accurately predict pathogenicity. Based on the available evidence, the clinical significance of this variant remains unclear.

NM_000038.6(APC):c.6933A>T (p.Arg2311Ser)

Gene: APC (APC regulator of Wnt signaling pathway; plus strand). Cytogenetic location: 5q22.2.
Variant type: single nucleotide variant.
Coding change: c.6933A>T on transcript NM_000038.6 (MANE Select); coding-DNA position 6933, A replaced by T.
Protein change: p.Arg2311Ser; replaces arginine 2311 with serine.
Molecular consequence: missense variant. On other transcripts: non-coding transcript variant (2).
Genome position (GRCh38, 1-based): chr5:112,842,527, A>T. VCF-style: chr5-112842527-A-T. GRCh37 (hg19) VCF-style: chr5-112178224-A-T.
Other names: c.6933A>T, p.Arg2311Ser (NM_001127510.3, NM_001354895.2, NM_001407450.1); c.6879A>T, p.Arg2293Ser (NM_001127511.3); c.6987A>T, p.Arg2329Ser (NM_001354896.2, NM_001407447.1, NM_001407448.1 and 1 more transcripts); c.6963A>T, p.Arg2321Ser (NM_001354897.2); c.6858A>T, p.Arg2286Ser (NM_001354898.2); c.6849A>T, p.Arg2283Ser (NM_001354899.2); c.6810A>T, p.Arg2270Ser (NM_001354900.2); c.6756A>T, p.Arg2252Ser (NM_001354901.2, NM_001407453.1); and 11 more; short protein forms R2270S, R2286S, R2301S, R2311S, R2339S, R2182S, R2228S, R2293S.
Identifiers: ClinVar variation 5025441 (VCV005025441.1).
Genomic context (GRCh38, chr5:112,842,527, plus strand): 5'-AATAGGTGGGTCAAGTAAAGCACCTTCTAGATCAGGATCTAGAGATTCGACCCCTTCAAG[A>T]CCTGCCCAGCAACCATTAAGTAGACCTATACAGTCTCCTGGCCGAAACTCAATTTCCCCT-3'
Protein context (NP_000029.2, residues 2301-2321): RSGSRDSTPS[Arg2311Ser]PAQQPLSRPI